The following is an entry in ClinVar:

NM_032119.4(ADGRV1):c.9918A>G (p.Ile3306Met)

Gene: ADGRV1 (adhesion G protein-coupled receptor V1; plus strand). Cytogenetic location: 5q14.3.
Variant type: single nucleotide variant.
Coding change: c.9918A>G on transcript NM_032119.4 (MANE Select); coding-DNA position 9918, A replaced by G.
Protein change: p.Ile3306Met; replaces isoleucine 3306 with methionine.
Molecular consequence: missense variant. On other transcripts: non-coding transcript variant (1).
Genome position (GRCh38, 1-based): chr5:90,725,097, A>G. VCF-style: chr5-90725097-A-G. GRCh37 (hg19) VCF-style: chr5-90020914-A-G.
Other names: short protein forms I3306M.
Identifiers: ClinVar variation 517467 (VCV000517467.10), dbSNP rs1264693693, ClinGen allele CA360402828.

ClinVar aggregate classification (germline): Conflicting classifications of pathogenicity. Review status: criteria provided, conflicting classifications (1 of 4 stars). 3 submissions from 3 submitters: Uncertain significance (2); Likely benign (1). Last evaluated 2025-02-01.

Allele frequency attached by ClinVar (database versions not stated): gnomAD exomes 0.00002; TOPMed 0.00003; gnomAD 0.00005 and 0.00006.
gnomAD v4.1: 38 of 1,539,756 alleles (0.0025%); highest among the groups gnomAD compares: Non-Finnish European, 0.0032%; no homozygotes.

Submissions (3):

Labcorp Genetics (formerly Invitae), Labcorp
Classification: Likely benign. Last evaluated: 2025-02-01. Review status: criteria provided, single submitter. Criteria: Invitae Variant Classification Sherloc (09022015). Collection method: clinical testing. Allele origin: germline.

Blueprint Genetics
Classification: Uncertain significance. Last evaluated: 2022-09-08. Review status: criteria provided, single submitter. Criteria: ACMG Guidelines, 2015. Collection method: clinical testing. Allele origin: germline.

Laboratory for Molecular Medicine, Mass General Brigham Personalized Medicine
Classification: Uncertain significance. Last evaluated: 2017-07-13. Review status: criteria provided, single submitter. Criteria: LMM Criteria. Collection method: clinical testing. Allele origin: germline. Observed: 1 variant allele.
Comment: The p.Gln257Arg variant in BSND has not been previously reported in individuals with hearing loss, but has been reported in 21/34412 Latino chromosomes by the G enome Aggregation Database (gnomAD; dbSNP rs19 9696535). Although this variant has been seen in the general population, its fre quency is not high enough to rule out a pathogenic role. Computational predictio n tools and conservation analyses suggest that this variant may not impact the p rotein, though this information is not predictive enough to rule out pathogenici ty. In summary, the clinical significance of the p.Gln257Arg variant is uncertai n.